The following is an entry in ClinVar:

ClinVar aggregate classification (germline): Uncertain significance. Review status: criteria provided, multiple submitters, no conflicts (2 of 4 stars). 2 submissions from 2 submitters: Uncertain significance (2). Last evaluated 2025-11-26.

Conditions:
MOGS-related disorder. Also called: MOGS-related condition.
Inborn genetic diseases. Identifiers: MedGen C0950123, MeSH D030342.

gnomAD v4.1: 15 of 1,613,856 alleles (0.00093%); highest among the groups gnomAD compares: Admixed American, 0.0017%; no homozygotes.

Submissions (2):

PreventionGenetics, part of Exact Sciences
Classification: Uncertain significance for MOGS-related condition. Last evaluated: 2025-11-26. Review status: criteria provided, single submitter. Criteria: ACMG Guidelines, 2015. Collection method: clinical testing. Allele origin: germline.
Comment: The MOGS c.2291G>A variant is predicted to result in the amino acid substitution p.Gly764Glu. To our knowledge, this variant has not been reported in the literature. This variant is reported in 0.0018% of alleles in individuals of European (Non-Finnish) descent in gnomAD. At this time, the clinical significance of this variant is uncertain due to the absence of conclusive functional and genetic evidence.

Ambry Genetics
Classification: Uncertain significance for Inborn genetic diseases. Last evaluated: 2024-03-28. Review status: criteria provided, single submitter. Criteria: Ambry Variant Classification Scheme 2023. Collection method: clinical testing. Allele origin: germline.

NM_006302.3(MOGS):c.2291G>A (p.Gly764Glu)

Gene: MOGS (mannosyl-oligosaccharide glucosidase; minus strand). Cytogenetic location: 2p13.1.
Variant type: single nucleotide variant.
Coding change: c.2291G>A on transcript NM_006302.3 (MANE Select); coding-DNA position 2291, G replaced by A.
Protein change: p.Gly764Glu; replaces glycine 764 with glutamic acid.
Molecular consequence: missense variant.
Genome position (GRCh38, 1-based): chr2:74,461,498, C>T on the plus strand (G>A on the coding strand, the complement: MOGS is on the minus strand). VCF-style: chr2-74461498-C-T. GRCh37 (hg19) VCF-style: chr2-74688625-C-T.
Other names: c.1973G>A, p.Gly658Glu (NM_001146158.2); short protein forms G658E, G764E.
Identifiers: ClinVar variation 3295529 (VCV003295529.2).